The following is an entry in ClinVar:

NM_002230.4(JUP):c.1372G>A (p.Ala458Thr)

Gene: JUP (junction plakoglobin; minus strand). Cytogenetic location: 17q21.2.
Variant type: single nucleotide variant.
Coding change: c.1372G>A on transcript NM_002230.4 (MANE Select); coding-DNA position 1372, G replaced by A.
Protein change: p.Ala458Thr; replaces alanine 458 with threonine.
Molecular consequence: missense variant.
Genome position (GRCh38, 1-based): chr17:41,763,108, C>T on the plus strand (G>A on the coding strand, the complement: JUP is on the minus strand). VCF-style: chr17-41763108-C-T. GRCh37 (hg19) VCF-style: chr17-39919360-C-T.
Other names: c.1372G>A (NM_021991.2); c.1372G>A, p.Ala458Thr (NM_001352773.2, NM_001352774.2, NM_001352775.2 and 3 more transcripts); short protein forms A458T.
Identifiers: ClinVar variation 426584 (VCV000426584.18), dbSNP rs139559495, ClinGen allele CA8565223.

ClinVar aggregate classification (germline): Conflicting classifications of pathogenicity. Review status: criteria provided, conflicting classifications (1 of 4 stars). 5 submissions from 5 submitters: Uncertain significance (4); Likely benign (1). Last evaluated 2026-09-01.

Conditions:
JUP-related disorder. Also called: JUP-related condition.
Cardiovascular phenotype. Identifiers: MedGen CN230736.
Naxos disease (NXD). Also called: CARDIOMYOPATHY, ARRHYTHMOGENIC RIGHT VENTRICULAR, WITH SKIN, HAIR, AND NAIL ABNORMALITIES; PALMOPLANTAR KERATODERMA WITH ARRHYTHMOGENIC RIGHT VENTRICULAR CARDIOMYOPATHY AND WOOLLY HAIR; WOOLLY HAIR, PALMOPLANTAR KERATODERMA, AND CARDIAC ABNORMALITIES; KERATOSIS PALMOPLANTARIS WITH ARRHYTHMOGENIC CARDIOMYOPATHY; MAL DE NAXOS. Identifiers: Orphanet 34217, MedGen C1832600, MONDO:0011017, OMIM 601214.
Arrhythmogenic right ventricular dysplasia 12. Also called: ARRHYTHMOGENIC RIGHT VENTRICULAR DYSPLASIA, FAMILIAL, 12. Identifiers: MedGen C1969081, MONDO:0012684, OMIM 611528.

Allele frequency attached by ClinVar (database versions not stated): gnomAD exomes 0.00007; TOPMed 0.00007; ExAC 0.00008; ESP Exome Variant Server 0.00008; gnomAD 0.00009.
gnomAD v4.1: 96 of 1,614,080 alleles (0.0059%); highest among the groups gnomAD compares: Middle Eastern, 0.099%; no homozygotes.

Submissions (5):

CeGaT Center for Human Genetics Tuebingen
Classification: Uncertain significance. Last evaluated: 2026-09-01. Review status: criteria provided, single submitter. Criteria: CeGaT Center For Human Genetics Tuebingen Variant Classification Criteria Version 2. Collection method: clinical testing. Allele origin: germline. Affected: yes. Observed: 1 variant allele.
Comment: JUP: PM2

Labcorp Genetics (formerly Invitae), Labcorp
Classification: Uncertain significance for Arrhythmogenic right ventricular dysplasia 12; Naxos disease. Last evaluated: 2025-12-14. Review status: criteria provided, single submitter. Criteria: Invitae Variant Classification Sherloc (09022015). Collection method: clinical testing. Allele origin: germline.
Comment: This sequence change replaces alanine, which is neutral and non-polar, with threonine, which is neutral and polar, at codon 458 of the JUP protein (p.Ala458Thr). This variant is present in population databases (rs139559495, gnomAD 0.03%). This missense change has been observed in individual(s) with JUP-related conditions (PMID: 39180012). ClinVar contains an entry for this variant (Variation ID: 426584). An algorithm developed to predict the effect of missense changes on protein structure and function (PolyPhen-2) suggests that this variant is likely to be disruptive. In summary, the available evidence is currently insufficient to determine the role of this variant in disease. Therefore, it has been classified as a Variant of Uncertain Significance.

GeneDx
Classification: Uncertain significance. Last evaluated: 2025-10-27. Review status: criteria provided, single submitter. Criteria: GeneDx Variant Classification Process June 2021. Collection method: clinical testing. Allele origin: germline. Affected: yes.
Comment: In silico analysis supports that this missense variant has a deleterious effect on protein structure/function; This variant is associated with the following publications: (PMID: 23396983, 25351510)

PreventionGenetics, part of Exact Sciences
Classification: Uncertain significance for JUP-related condition. Last evaluated: 2025-08-29. Review status: criteria provided, single submitter. Criteria: ACMG Guidelines, 2015. Collection method: clinical testing. Allele origin: germline.
Comment: The JUP c.1372G>A variant is predicted to result in the amino acid substitution p.Ala458Thr. This variant has been reported in a cohort of individuals with hypertrophic cardiomyopathy (Table S1, Lopes et al. 2015. PubMed ID: 25351510). This variant has also been reported in the heterozygous state in 5 individuals with arrhythmogenic cardiomyopathy in a family; however, all of them also carried one or more additional variants in genes associated with cardiomyopathy and/or cardiac arrhythmia (Mehdizadeh et al. 2024. PubMed ID: 39180012). This variant is reported in 0.029% of alleles in individuals of Ashkenazi Jewish descent in gnomAD. At this time, the clinical significance of this variant is uncertain due to the absence of conclusive functional and genetic evidence.

Ambry Genetics
Classification: Likely benign for Cardiovascular phenotype. Last evaluated: 2022-12-22. Review status: criteria provided, single submitter. Criteria: Ambry Variant Classification Scheme 2023. Collection method: clinical testing. Allele origin: germline.

Literature cited by the submitters: PubMed 39180012 (cited by Labcorp Genetics (formerly Invitae), Labcorp); PubMed 25351510 (cited by Ambry Genetics).